The following is an entry in ClinVar:

ClinVar aggregate classification (germline): Uncertain significance (1 of 4 stars; one submission).

Allele frequency attached by ClinVar (database versions not stated): gnomAD 0.00001; TOPMed 0.00001.
gnomAD v4.1: 3 of 1,612,736 alleles (0.00019%); highest among the groups gnomAD compares: South Asian, 0.0022%; no homozygotes.

Submission:

Labcorp Genetics (formerly Invitae), Labcorp
Classification: Uncertain significance. Last evaluated: 2025-02-27. Review status: criteria provided, single submitter. Criteria: Invitae Variant Classification Sherloc (09022015). Collection method: clinical testing. Allele origin: germline.
Comment: This sequence change replaces aspartic acid, which is acidic and polar, with asparagine, which is neutral and polar, at codon 375 of the PDE6B protein (p.Asp375Asn). This variant is present in population databases (rs759944711, gnomAD 0.003%). This variant has not been reported in the literature in individuals affected with PDE6B-related conditions. ClinVar contains an entry for this variant (Variation ID: 1938832). Invitae Evidence Modeling of protein sequence and biophysical properties (such as structural, functional, and spatial information, amino acid conservation, physicochemical variation, residue mobility, and thermodynamic stability) indicates that this missense variant is not expected to disrupt PDE6B protein function with a negative predictive value of 95%. In summary, the available evidence is currently insufficient to determine the role of this variant in disease. Therefore, it has been classified as a Variant of Uncertain Significance.

NM_000283.4(PDE6B):c.1123G>A (p.Asp375Asn)

Gene: PDE6B (phosphodiesterase 6B; plus strand). Cytogenetic location: 4p16.3.
Variant type: single nucleotide variant.
Coding change: c.1123G>A on transcript NM_000283.4 (MANE Select); coding-DNA position 1123, G replaced by A.
Protein change: p.Asp375Asn; replaces aspartic acid 375 with asparagine.
Molecular consequence: missense variant. On other transcripts: 5 prime UTR variant (1).
Genome position (GRCh38, 1-based): chr4:656,889, G>A. VCF-style: chr4-656889-G-A. GRCh37 (hg19) VCF-style: chr4-650678-G-A.
Other names: c.1123G>A, p.Asp375Asn (NM_001145291.2); c.286G>A, p.Asp96Asn (NM_001145292.2, NM_001350154.3, NM_001379246.1 and 1 more transcripts); c.-33G>A (NM_001350155.3); short protein forms D375N, D96N.
Identifiers: ClinVar variation 1938832 (VCV001938832.5), dbSNP rs759944711, ClinGen allele CA2794370.